The following is an entry in ClinVar:

NM_207361.6(FREM2):c.*3192T>C

Gene: FREM2 (FRAS1 related extracellular matrix 2; plus strand). Cytogenetic location: 13q13.3.
Variant type: single nucleotide variant.
Coding change: c.*3192T>C on transcript NM_207361.6 (MANE Select); 3192 bases downstream of the stop codon, T replaced by C.
Molecular consequence: 3 prime UTR variant.
Genome position (GRCh38, 1-based): chr13:38,883,979, T>C. VCF-style: chr13-38883979-T-C. GRCh37 (hg19) VCF-style: chr13-39458116-T-C.
Identifiers: ClinVar variation 312078 (VCV000312078.6), dbSNP rs7337135, ClinGen allele CA10644455.
Genomic context (GRCh38, chr13:38,883,979, plus strand): 5'-CTTCGCAAAACCTCACTGGGGGAGTGCCTTGTAGAGCTGTGGGTGGGACTGCACATTCTT[T>C]TCCTCTTAGTAAAAGATAGGCCCACTTTATTCCAAGAATAACACTTAGCACATAAACTCT-3'

ClinVar aggregate classification (germline): Benign. Review status: criteria provided, multiple submitters, no conflicts (2 of 4 stars). 2 submissions from 2 submitters: Benign (2). Last evaluated 2018-01-13.

Conditions:
Fraser syndrome 2 (FRASRS2). Identifiers: MedGen C4540036, MONDO:0054738, OMIM 617666.

Allele frequency attached by ClinVar (database versions not stated): gnomAD exomes 0.25000; gnomAD 0.26482 and 0.26600; TOPMed 0.27163; 1000 Genomes Project 0.30371; 1000 Genomes Project 30x 0.30465.
gnomAD v4.1: 40,139 of 152,058 alleles (26%); highest among the groups gnomAD compares: African/African-American, 45%; 6,419 homozygotes.

Submissions (2):

Illumina Laboratory Services, Illumina
Classification: Benign for Fraser syndrome 2. Last evaluated: 2018-01-13. Review status: criteria provided, single submitter. Criteria: ICSL Variant Classification Criteria 13 December 2019. Collection method: clinical testing. Allele origin: germline.
Comment: This variant was observed in the ICSL laboratory as part of a predisposition screen in an ostensibly healthy population. It had not been previously curated by ICSL or reported in the Human Gene Mutation Database (HGMD: prior to June 1st, 2018), and was therefore a candidate for classification through an automated scoring system. Utilizing variant allele frequency, disease prevalence and penetrance estimates, and inheritance mode, an automated score was calculated to assess if this variant is too frequent to cause the disease. Based on the score and internal cut-off values, a variant classified as benign is not then subjected to further curation. The score for this variant resulted in a classification of benign for this disease.

Breakthrough Genomics
Classification: Benign. Review status: criteria provided, single submitter. Criteria: ACMG Guidelines, 2015. Collection method: not provided. Allele origin: germline. Inheritance: Autosomal recessive inheritance. Affected: yes.